The following is an entry in ClinVar:

NM_033109.5(PNPT1):c.680-3T>A

Gene: PNPT1 (polyribonucleotide nucleotidyltransferase 1; minus strand). Cytogenetic location: 2p16.1.
Variant type: single nucleotide variant.
Coding change: c.680-3T>A on transcript NM_033109.5 (MANE Select); 3 bases into the intron before coding-DNA position 680, T replaced by A.
Molecular consequence: intron variant.
Genome position (GRCh38, 1-based): chr2:55,673,082, A>T on the plus strand (T>A on the coding strand, the complement: PNPT1 is on the minus strand). VCF-style: chr2-55673082-A-T. GRCh37 (hg19) VCF-style: chr2-55900217-A-T.
Identifiers: ClinVar variation 835908 (VCV000835908.6), dbSNP rs778119158, ClinGen allele CA533179916.

ClinVar aggregate classification (germline): Uncertain significance (1 of 4 stars; one submission).

Allele frequency attached by ClinVar (database versions not stated): gnomAD 0.00001; gnomAD exomes 0.00001 and below 0.00001; TOPMed 0.00001.
gnomAD v4.1: 5 of 1,548,644 alleles (0.00032%); highest among the groups gnomAD compares: African/African-American, 0.0042%; no homozygotes.

Submissions (2):

Labcorp Genetics (formerly Invitae), Labcorp
Classification: Uncertain significance. Last evaluated: 2022-07-25. Review status: criteria provided, single submitter. Criteria: Invitae Variant Classification Sherloc (09022015). Collection method: clinical testing. Allele origin: germline.
Comment: This variant is present in population databases (no rsID available, gnomAD 0.008%). In summary, the available evidence is currently insufficient to determine the role of this variant in disease. Therefore, it has been classified as a Variant of Uncertain Significance. Variants that disrupt the consensus splice site are a relatively common cause of aberrant splicing (PMID: 17576681, 9536098). Algorithms developed to predict the effect of sequence changes on RNA splicing suggest that this variant is not likely to affect RNA splicing. ClinVar contains an entry for this variant (Variation ID: 835908). This variant has not been reported in the literature in individuals affected with PNPT1-related conditions. This sequence change falls in intron 8 of the PNPT1 gene. It does not directly change the encoded amino acid sequence of the PNPT1 protein. It affects a nucleotide within the consensus splice site.

Dr. Peter K. Rogan Lab, Western University
No classification provided (evidence only). Condition: Malignant tumor of esophagus. Review status: no classification provided. Collection method: in vitro. Allele origin: not applicable. Functional consequence: skipped exon, retained intron. Not counted in ClinVar's aggregate classification.

Literature cited by the submitters: PubMed 17576681 (cited by Labcorp Genetics (formerly Invitae), Labcorp); PubMed 9536098 (cited by Labcorp Genetics (formerly Invitae), Labcorp).